The following is an entry in ClinVar:

NM_000548.5(TSC2):c.2468_2469insCGC (p.Leu823_Pro824insAla)

Gene: TSC2 (TSC complex subunit 2; plus strand). Cytogenetic location: 16p13.3.
Variant type: Insertion.
Coding change: c.2468_2469insCGC on transcript NM_000548.5 (MANE Select); coding-DNA positions 2468 to 2469, CGC inserted.
Protein change: p.Leu823_Pro824insAla.
Molecular consequence: non-coding transcript variant (on NR_176229.1).
Genome position: GRCh38 VCF-style: chr16-2074312-T-TCGC. GRCh37 (hg19) VCF-style: chr16-2124313-T-TCGC.
Other names: c.2321_2322insCGC, p.Leu774_Pro775insAla (NM_001406679.1, NM_001318829.2, NM_001406675.1 and 1 more transcripts); c.1868_1869insCGC, p.Leu623_Pro624insAla (NM_001406680.1, NM_001406682.1, NM_001406683.1 and 6 more transcripts); c.2006_2007insCGC, p.Leu669_Pro670insAla (NM_001406681.1); c.1124_1125insCGC, p.Leu375_Pro376insAla (NM_001406693.1, NM_001406694.1, NM_001406695.1 and 6 more transcripts); c.866_867insCGC, p.Leu289_Pro290insAla (NM_001406698.1); c.2468_2469insCGC, p.Leu823_Pro824insAla (NM_021055.3, NM_001077183.3, NM_001114382.3 and 6 more transcripts); c.2357_2358insCGC, p.Leu786_Pro787insAla (NM_001318827.2, NM_001406670.1, NM_001406678.1); c.2501_2502insCGC, p.Leu834_Pro835insAla (NM_001318832.2); and 3 more.
Identifiers: ClinVar variation 5031282 (VCV005031282.1).

ClinVar aggregate classification (germline): Uncertain significance (1 of 4 stars; one submission).

Conditions:
Hereditary cancer-predisposing syndrome. Also called: Neoplastic Syndromes, Hereditary; Tumor predisposition; Hereditary neoplastic syndrome; Hereditary Cancer Syndrome. Identifiers: Orphanet 140162, MedGen C0027672, MeSH D009386, MONDO:0015356.

Submission:

Ambry Genetics
Classification: Uncertain significance for Hereditary cancer-predisposing syndrome. Last evaluated: 2026-07-29. Review status: criteria provided, single submitter. Criteria: Ambry Variant Classification Scheme 2023. Collection method: clinical testing. Allele origin: germline.
Comment: The c.2468_2469insCGC variant (also known as p.L823_P824insA), located in coding exon 21 of the TSC2 gene, results from an in-frame CGC insertion at nucleotide positions 2468 to 2469. This results in the insertion of an extra alanine residue between codons 823 and 824. This amino acid position is highly conserved in available vertebrate species. Based on the available evidence, the clinical significance of this variant remains unclear.